The following is an entry in ClinVar:

NM_004329.3(BMPR1A):c.1288A>G (p.Ile430Val)

Gene: BMPR1A (bone morphogenetic protein receptor type 1A; plus strand). Cytogenetic location: 10q23.2.
Variant type: single nucleotide variant.
Coding change: c.1288A>G on transcript NM_004329.3 (MANE Select); coding-DNA position 1288, A replaced by G.
Protein change: p.Ile430Val; replaces isoleucine 430 with valine.
Molecular consequence: missense variant.
Genome position (GRCh38, 1-based): chr10:86,921,641, A>G. VCF-style: chr10-86921641-A-G. GRCh37 (hg19) VCF-style: chr10-88681398-A-G.
Other names: short protein forms I430V.
Identifiers: ClinVar variation 666060 (VCV000666060.10), dbSNP rs1589292679, ClinGen allele CA377462249.

ClinVar aggregate classification (germline): Uncertain significance. Review status: criteria provided, multiple submitters, no conflicts (2 of 4 stars). 2 submissions from 2 submitters: Uncertain significance (2). Last evaluated 2024-03-06.

Conditions:
Hereditary cancer-predisposing syndrome. Also called: Neoplastic Syndromes, Hereditary; Hereditary neoplastic syndrome; Tumor predisposition; Hereditary Cancer Syndrome. Identifiers: Orphanet 140162, MedGen C0027672, MeSH D009386, MONDO:0015356.
Juvenile polyposis syndrome (JPS). Identifiers: Orphanet 2929, MedGen C0345893, MONDO:0017380, OMIM 174900.

Submissions (2):

Color Diagnostics, LLC DBA Color Health
Classification: Uncertain significance for Hereditary cancer-predisposing syndrome. Last evaluated: 2024-03-06. Review status: criteria provided, single submitter. Criteria: ACMG Guidelines, 2015. Collection method: clinical testing. Allele origin: germline.
Comment: This missense variant replaces isoleucine with valine at codon 430 of the BMPR1A protein. Computational prediction suggests that this variant may not impact protein structure and function (internally defined REVEL score threshold <= 0.5, PMID: 27666373). To our knowledge, functional studies have not been reported for this variant. This variant has not been reported in individuals affected with hereditary cancer in the literature. This variant has not been identified in the general population by the Genome Aggregation Database (gnomAD). The available evidence is insufficient to determine the role of this variant in disease conclusively. Therefore, this variant is classified as a Variant of Uncertain Significance.

Labcorp Genetics (formerly Invitae), Labcorp
Classification: Uncertain significance for Juvenile polyposis syndrome. Last evaluated: 2023-11-13. Review status: criteria provided, single submitter. Criteria: Invitae Variant Classification Sherloc (09022015). Collection method: clinical testing. Allele origin: germline.
Comment: This sequence change replaces isoleucine, which is neutral and non-polar, with valine, which is neutral and non-polar, at codon 430 of the BMPR1A protein (p.Ile430Val). This variant is not present in population databases (gnomAD no frequency). This variant has not been reported in the literature in individuals affected with BMPR1A-related conditions. ClinVar contains an entry for this variant (Variation ID: 666060). Advanced modeling of protein sequence and biophysical properties (such as structural, functional, and spatial information, amino acid conservation, physicochemical variation, residue mobility, and thermodynamic stability) performed at Invitae indicates that this missense variant is not expected to disrupt BMPR1A protein function with a negative predictive value of 80%. In summary, the available evidence is currently insufficient to determine the role of this variant in disease. Therefore, it has been classified as a Variant of Uncertain Significance.